The following is an entry in ClinVar:

NM_000440.3(PDE6A):c.2407A>C (p.Thr803Pro)

Gene: PDE6A (phosphodiesterase 6A; minus strand). Cytogenetic location: 5q32.
Variant type: single nucleotide variant.
Coding change: c.2407A>C on transcript NM_000440.3 (MANE Select); coding-DNA position 2407, A replaced by C.
Protein change: p.Thr803Pro; replaces threonine 803 with proline.
Molecular consequence: missense variant.
Genome position (GRCh38, 1-based): chr5:149,863,218, T>G on the plus strand (A>C on the coding strand, the complement: PDE6A is on the minus strand). VCF-style: chr5-149863218-T-G. GRCh37 (hg19) VCF-style: chr5-149242781-T-G.
Other names: short protein forms T803P.
Identifiers: ClinVar variation 1307914 (VCV001307914.2), dbSNP rs764575487, ClinGen allele CA361709254.

ClinVar aggregate classification (germline): Uncertain significance (1 of 4 stars; one submission).

Submission:

GeneDx
Classification: Uncertain significance. Last evaluated: 2019-08-27. Review status: criteria provided, single submitter. Criteria: GeneDx Variant Classification Process June 2021. Collection method: clinical testing. Allele origin: germline. Affected: yes.
Comment: Not observed in large population cohorts (Lek et al., 2016); In silico analysis, which includes protein predictors and evolutionary conservation, supports that this variant does not alter protein structure/function; Has not been previously published as pathogenic or benign to our knowledge